The following is an entry in ClinVar:

NM_005188.4(CBL):c.895C>T (p.Arg299Cys)

Gene: CBL (Cbl proto-oncogene; plus strand). Cytogenetic location: 11q23.3.
Variant type: single nucleotide variant.
Coding change: c.895C>T on transcript NM_005188.4 (MANE Select); coding-DNA position 895, C replaced by T.
Protein change: p.Arg299Cys; replaces arginine 299 with cysteine.
Molecular consequence: missense variant.
Genome position (GRCh38, 1-based): chr11:119,276,022, C>T. VCF-style: chr11-119276022-C-T. GRCh37 (hg19) VCF-style: chr11-119146732-C-T.
Other names: c.895C>T (NM_005188.2); short protein forms R299C.
Identifiers: ClinVar variation 405366 (VCV000405366.7), dbSNP rs1053471259, ClinGen allele CA16613530.

ClinVar aggregate classification (germline): Uncertain significance. Review status: criteria provided, multiple submitters, no conflicts (2 of 4 stars). 2 submissions from 2 submitters: Uncertain significance (2). Last evaluated 2025-06-19.

Conditions:
RASopathy. Also called: rasopathies; Noonan spectrum disorder. Identifiers: Orphanet 536391, MedGen C5555857, MONDO:0021060.
Cardiovascular phenotype. Identifiers: MedGen CN230736.

Allele frequency attached by ClinVar (database versions not stated): gnomAD exomes below 0.00001; TOPMed 0.00001.
gnomAD v4.1: 3 of 1,614,090 alleles (0.00019%); highest among the groups gnomAD compares: Non-Finnish European, 0.00025%; no homozygotes.

Submissions (2):

Ambry Genetics
Classification: Uncertain significance for Cardiovascular phenotype. Last evaluated: 2025-06-19. Review status: criteria provided, single submitter. Criteria: Ambry Variant Classification Scheme 2023. Collection method: clinical testing. Allele origin: germline.
Comment: The p.R299C variant (also known as c.895C>T), located in coding exon 6 of the CBL gene, results from a C to T substitution at nucleotide position 895. The arginine at codon 299 is replaced by cysteine, an amino acid with highly dissimilar properties. This amino acid position is conserved. In addition, this alteration is predicted to be deleterious by in silico analysis. Based on the available evidence, the clinical significance of this variant remains unclear.

Labcorp Genetics (formerly Invitae), Labcorp
Classification: Uncertain significance for RASopathy. Last evaluated: 2025-05-07. Review status: criteria provided, single submitter. Criteria: Invitae Variant Classification Sherloc (09022015). Collection method: clinical testing. Allele origin: germline.
Comment: This sequence change replaces arginine, which is basic and polar, with cysteine, which is neutral and slightly polar, at codon 299 of the CBL protein (p.Arg299Cys). This variant is not present in population databases (gnomAD no frequency). This variant has not been reported in the literature in individuals affected with CBL-related conditions. ClinVar contains an entry for this variant (Variation ID: 405366). Invitae Evidence Modeling of protein sequence and biophysical properties (such as structural, functional, and spatial information, amino acid conservation, physicochemical variation, residue mobility, and thermodynamic stability) has been performed for this missense variant. However, the output from this modeling did not meet the statistical confidence thresholds required to predict the impact of this variant on CBL protein function. In summary, the available evidence is currently insufficient to determine the role of this variant in disease. Therefore, it has been classified as a Variant of Uncertain Significance.